The following is an entry in ClinVar:

NC_000022.11:g.(?_19911357)_(19911467_?)del

Gene: TXNRD2 (thioredoxin reductase 2; minus strand). Cytogenetic location: 22q11.21.
Variant type: Deletion.
Identifiers: ClinVar variation 524937 (VCV000524937.9).

ClinVar aggregate classification (germline): Uncertain significance (1 of 4 stars; one submission).

Conditions:
Primary dilated cardiomyopathy (DCM). Also called: Dilated Cardiomyopathy. Identifiers: Orphanet 217604, MedGen C0007193, MeSH D002311, MONDO:0005021, HP:0001644. Inheritance: Various modes of inheritance.

Submission:

Labcorp Genetics (formerly Invitae), Labcorp
Classification: Uncertain significance for Primary dilated cardiomyopathy. Last evaluated: 2023-07-28. Review status: criteria provided, single submitter. Criteria: Invitae Variant Classification Sherloc (09022015). Collection method: clinical testing. Allele origin: germline.
Comment: In summary, the available evidence is currently insufficient to determine the role of this variant in disease. Therefore, it has been classified as a Variant of Uncertain Significance. This variant has not been reported in the literature in individuals affected with TXNRD2-related conditions. This variant is a gross deletion of the genomic region encompassing exon(s) 8 of the TXNRD2 gene. This deletion is out-of-frame, and is expected to create a premature translational stop signal and result in an absent or disrupted protein product. However, the current clinical and genetic evidence is not sufficient to establish whether loss-of-function variants in TXNRD2 cause disease.